The following is an entry in ClinVar:

ClinVar aggregate classification (germline): Uncertain significance (1 of 4 stars; one submission).

Conditions:
Multiple congenital anomalies-hypotonia-seizures syndrome 2 (MCAHS2). Also called: EPILEPTIC ENCEPHALOPATHY, EARLY INFANTILE, 20; GLYCOSYLPHOSPHATIDYLINOSITOL BIOSYNTHESIS DEFECT 4. Identifiers: Orphanet 300496, MedGen C3275508, MONDO:0010466, OMIM 300868.

Submission:

Labcorp Genetics (formerly Invitae), Labcorp
Classification: Uncertain significance for Multiple congenital anomalies-hypotonia-seizures syndrome 2. Last evaluated: 2024-09-27. Review status: criteria provided, single submitter. Criteria: Invitae Variant Classification Sherloc (09022015). Collection method: clinical testing. Allele origin: germline.
Comment: This sequence change replaces tyrosine, which is neutral and polar, with phenylalanine, which is neutral and non-polar, at codon 236 of the PIGA protein (p.Tyr236Phe). This variant is not present in population databases (gnomAD no frequency). This variant has not been reported in the literature in individuals affected with PIGA-related conditions. Invitae Evidence Modeling of protein sequence and biophysical properties (such as structural, functional, and spatial information, amino acid conservation, physicochemical variation, residue mobility, and thermodynamic stability) has been performed for this missense variant. However, the output from this modeling did not meet the statistical confidence thresholds required to predict the impact of this variant on PIGA protein function. In summary, the available evidence is currently insufficient to determine the role of this variant in disease. Therefore, it has been classified as a Variant of Uncertain Significance.

NM_002641.4(PIGA):c.707A>T (p.Tyr236Phe)

Gene: PIGA (phosphatidylinositol glycan anchor biosynthesis class A; minus strand). Cytogenetic location: Xp22.2.
Variant type: single nucleotide variant.
Coding change: c.707A>T on transcript NM_002641.4 (MANE Select); coding-DNA position 707, A replaced by T.
Protein change: p.Tyr236Phe; replaces tyrosine 236 with phenylalanine.
Molecular consequence: missense variant. On other transcripts: intron variant (1).
Genome position (GRCh38, 1-based): chrX:15,331,224, T>A on the plus strand (A>T on the coding strand, the complement: PIGA is on the minus strand). VCF-style: chrX-15331224-T-A. GRCh37 (hg19) VCF-style: chrX-15349346-T-A.
Other names: c.13+4277A>T (NM_020473.3); short protein forms Y236F.
Identifiers: ClinVar variation 3717951 (VCV003717951.2).